The following is an entry in ClinVar:

ClinVar aggregate classification (germline): Likely pathogenic (1 of 4 stars; one submission).

Conditions:
RASopathy. Also called: Noonan spectrum disorder; rasopathies. Identifiers: Orphanet 536391, MedGen C5555857, MONDO:0021060.

Submission:

Labcorp Genetics (formerly Invitae), Labcorp
Classification: Likely pathogenic for RASopathy. Last evaluated: 2016-11-07. Review status: criteria provided, single submitter. Criteria: Invitae Variant Classification Sherloc (09022015). Collection method: clinical testing. Allele origin: germline.
Comment: This variant is a gross deletion of the genomic region encompassing exons 8-9 of the PTPN11 gene. This leads to an in-frame deletion, preserving the integrity of the reading frame. In summary, this variant is a novel deletion that disrupts essential amino acid residues. This evidence indicates that the variant is pathogenic, but additional data is needed to prove that conclusively. Therefore, this variant has been classified as Likely Pathogenic.

NC_000012.12:g.(?_112477651)_(112478015_?)del

Gene: PTPN11 (protein tyrosine phosphatase non-receptor type 11; plus strand). Cytogenetic location: 12q24.13.
Variant type: Deletion.
Identifiers: ClinVar variation 417463 (VCV000417463.1).